The following is an entry in ClinVar:

NM_001851.6(COL9A1):c.2528G>A (p.Arg843His)

Gene: COL9A1 (collagen type IX alpha 1 chain; minus strand). Cytogenetic location: 6q13.
Variant type: single nucleotide variant.
Coding change: c.2528G>A on transcript NM_001851.6 (MANE Select); coding-DNA position 2528, G replaced by A.
Protein change: p.Arg843His; replaces arginine 843 with histidine.
Molecular consequence: missense variant. On other transcripts: non-coding transcript variant (1).
Genome position (GRCh38, 1-based): chr6:70,225,985, C>T on the plus strand (G>A on the coding strand, the complement: COL9A1 is on the minus strand). VCF-style: chr6-70225985-C-T. GRCh37 (hg19) VCF-style: chr6-70935688-C-T.
Other names: c.1829G>A, p.Arg610His (NM_001377289.1); c.1652G>A, p.Arg551His (NM_001377290.1); c.1799G>A, p.Arg600His (NM_078485.4); short protein forms R551H, R843H, R600H, R610H.
Identifiers: ClinVar variation 1377346 (VCV001377346.4), dbSNP rs547618159, ClinGen allele CA3881741.

ClinVar aggregate classification (germline): Uncertain significance. Review status: criteria provided, multiple submitters, no conflicts (2 of 4 stars). 2 submissions from 2 submitters: Uncertain significance (2). Last evaluated 2022-08-23.

Allele frequency attached by ClinVar (database versions not stated): gnomAD 0.00001; gnomAD exomes 0.00002; TOPMed 0.00002; ExAC 0.00003.
gnomAD v4.1: 28 of 1,613,866 alleles (0.0017%); highest among the groups gnomAD compares: South Asian, 0.0099%; no homozygotes.

Submissions (2):

Labcorp Genetics (formerly Invitae), Labcorp
Classification: Uncertain significance. Last evaluated: 2022-08-23. Review status: criteria provided, single submitter. Criteria: Invitae Variant Classification Sherloc (09022015). Collection method: clinical testing. Allele origin: germline.
Comment: This sequence change replaces arginine, which is basic and polar, with histidine, which is basic and polar, at codon 843 of the COL9A1 protein (p.Arg843His). This variant is present in population databases (rs547618159, gnomAD 0.009%). This variant has not been reported in the literature in individuals affected with COL9A1-related conditions. ClinVar contains an entry for this variant (Variation ID: 1377346). Advanced modeling of protein sequence and biophysical properties (such as structural, functional, and spatial information, amino acid conservation, physicochemical variation, residue mobility, and thermodynamic stability) performed at Invitae indicates that this missense variant is not expected to disrupt COL9A1 protein function. In summary, the available evidence is currently insufficient to determine the role of this variant in disease. Therefore, it has been classified as a Variant of Uncertain Significance.

Blueprint Genetics
Classification: Uncertain significance. Last evaluated: 2021-11-08. Review status: criteria provided, single submitter. Criteria: ACMG Guidelines, 2015. Collection method: clinical testing. Allele origin: germline.